The following is an entry in ClinVar:

ClinVar aggregate classification (germline): Uncertain significance. Review status: criteria provided, multiple submitters, no conflicts (2 of 4 stars). 3 submissions from 3 submitters: Uncertain significance (3). Last evaluated 2025-12-09.

Conditions:
Hereditary cancer-predisposing syndrome. Also called: Neoplastic Syndromes, Hereditary; Tumor predisposition; Hereditary neoplastic syndrome; Hereditary Cancer Syndrome. Identifiers: Orphanet 140162, MedGen C0027672, MeSH D009386, MONDO:0015356.
Hereditary breast ovarian cancer syndrome. Also called: Hereditary breast and ovarian cancer syndrome; Hereditary breast and ovarian cancer; Hereditary breast and ovarian cancer syndrome (HBOC); Breast and ovarian cancer; Hereditary breast and/or ovarian cancer syndrome; BRCA1- and BRCA2-Associated Hereditary Breast and Ovarian Cancer. Identifiers: Orphanet 145, MedGen C0677776, MeSH D061325, MONDO:0003582. Disease mechanism: loss of function.

Submissions (3):

Color Diagnostics, LLC DBA Color Health
Classification: Uncertain significance for Hereditary cancer-predisposing syndrome. Last evaluated: 2025-12-09. Review status: criteria provided, single submitter. Criteria: ACMG Guidelines, 2015. Collection method: clinical testing. Allele origin: germline.
Comment: This missense variant replaces tryptophan with cysteine at codon 2574 of the BRCA2 protein. Computational prediction suggests that this variant may not impact protein structure and function. Functional studies have reported that this variant does not impact BRCA2 in a haploid cell proliferation assay and in the rescue of BRCA2-deficiency in cisplatin and PARP inhibitor (PMID: 39779848, 39779857). To our knowledge, this variant has not been reported in individuals affected with BRCA2-related disorders in the literature. This variant has not been identified in the general population by the Genome Aggregation Database (gnomAD). The available evidence is insufficient to determine the role of this variant in disease conclusively. Therefore, this variant is classified as a Variant of Uncertain Significance.

Ambry Genetics
Classification: Uncertain significance for Hereditary cancer-predisposing syndrome. Last evaluated: 2025-08-27. Review status: criteria provided, single submitter. Criteria: Ambry Variant Classification Scheme 2023. Collection method: clinical testing. Allele origin: germline.
Comment: The p.W2574C variant (also known as c.7722G>T), located in coding exon 15 of the BRCA2 gene, results from a G to T substitution at nucleotide position 7722. The tryptophan at codon 2574 is replaced by cysteine, an amino acid with highly dissimilar properties. This amino acid position is not well conserved in available vertebrate species. In addition, this alteration is predicted to be tolerated by in silico analysis. Based on the available evidence, the clinical significance of this variant remains unclear.

Labcorp Genetics (formerly Invitae), Labcorp
Classification: Uncertain significance for Hereditary breast ovarian cancer syndrome. Last evaluated: 2022-10-14. Review status: criteria provided, single submitter. Criteria: Invitae Variant Classification Sherloc (09022015). Collection method: clinical testing. Allele origin: germline.
Comment: In summary, the available evidence is currently insufficient to determine the role of this variant in disease. Therefore, it has been classified as a Variant of Uncertain Significance. Advanced modeling of protein sequence and biophysical properties (such as structural, functional, and spatial information, amino acid conservation, physicochemical variation, residue mobility, and thermodynamic stability) performed at Invitae indicates that this missense variant is not expected to disrupt BRCA2 protein function. ClinVar contains an entry for this variant (Variation ID: 629203). This variant has not been reported in the literature in individuals affected with BRCA2-related conditions. This variant is not present in population databases (gnomAD no frequency). This sequence change replaces tryptophan, which is neutral and slightly polar, with cysteine, which is neutral and slightly polar, at codon 2574 of the BRCA2 protein (p.Trp2574Cys).

Literature cited by the submitters: PubMed 39779848 (cited by Color Diagnostics, LLC DBA Color Health); PubMed 39779857 (cited by Color Diagnostics, LLC DBA Color Health).

NM_000059.4(BRCA2):c.7722G>T (p.Trp2574Cys)

Gene: BRCA2 (BRCA2 DNA repair associated; plus strand). Cytogenetic location: 13q13.1.
Variant type: single nucleotide variant.
Coding change: c.7722G>T on transcript NM_000059.4 (MANE Select); coding-DNA position 7722, G replaced by T.
Protein change: p.Trp2574Cys; replaces tryptophan 2574 with cysteine.
Molecular consequence: missense variant.
Genome position (GRCh38, 1-based): chr13:32,357,846, G>T. VCF-style: chr13-32357846-G-T. GRCh37 (hg19) VCF-style: chr13-32931983-G-T.
Other names: short protein forms W2574C.
Identifiers: ClinVar variation 629203 (VCV000629203.10), dbSNP rs1060502433, ClinGen allele CA387745455.